The following is an entry in ClinVar:

ClinVar aggregate classification (germline): Pathogenic (0 of 4 stars; one submission).

Submission:

GenMed Metabolism Lab
Classification: Pathogenic. Review status: no assertion criteria provided. Collection method: not provided. Allele origin: unknown.
Comment: p.Leu57Gln, Neonatal
ClinVar note: Converted during submission from pathogenic to Pathogenic.

NM_000531.6(OTC):c.170T>A (p.Leu57Gln)

Gene: OTC (ornithine transcarbamylase; plus strand). Cytogenetic location: Xp11.4.
Variant type: single nucleotide variant.
Coding change: c.170T>A on transcript NM_000531.6 (MANE Select); coding-DNA position 170, T replaced by A.
Protein change: p.Leu57Gln; replaces leucine 57 with glutamine.
Molecular consequence: missense variant.
Genome position (GRCh38, 1-based): chrX:38,367,383, T>A. VCF-style: chrX-38367383-T-A. GRCh37 (hg19) VCF-style: chrX-38226636-T-A.
Other names: short protein forms L57Q.
Identifiers: ClinVar variation 97126 (VCV000097126.2), dbSNP rs72554321, ClinGen allele CA224488.